The following is an entry in ClinVar:

ClinVar aggregate classification (germline): Uncertain significance (1 of 4 stars; one submission).

Conditions:
Capillary malformation-arteriovenous malformation syndrome. Also called: Capillary malformation-arteriovenous malformation. Identifiers: Orphanet 137667, MedGen C1842180, MONDO:0012016.

Submission:

Labcorp Genetics (formerly Invitae), Labcorp
Classification: Uncertain significance for Capillary malformation-arteriovenous malformation syndrome. Last evaluated: 2024-08-08. Review status: criteria provided, single submitter. Criteria: Invitae Variant Classification Sherloc (09022015). Collection method: clinical testing. Allele origin: germline.
Comment: This sequence change replaces leucine, which is neutral and non-polar, with arginine, which is basic and polar, at codon 943 of the RASA1 protein (p.Leu943Arg). This variant is not present in population databases (gnomAD no frequency). This variant has not been reported in the literature in individuals affected with RASA1-related conditions. An algorithm developed to predict the effect of missense changes on protein structure and function (PolyPhen-2) suggests that this variant is likely to be disruptive. In summary, the available evidence is currently insufficient to determine the role of this variant in disease. Therefore, it has been classified as a Variant of Uncertain Significance.

NM_002890.3(RASA1):c.2828T>G (p.Leu943Arg)

Genes: CCNH (cyclin H; minus strand), RASA1 (RAS p21 protein activator 1; plus strand). Cytogenetic location: 5q14.3.
Variant type: single nucleotide variant.
Coding change: c.2828T>G on transcript NM_002890.3 (MANE Select); coding-DNA position 2828, T replaced by G.
Protein change: p.Leu943Arg; replaces leucine 943 with arginine.
Molecular consequence: missense variant. On other transcripts: intron variant (1).
Genome position (GRCh38, 1-based): chr5:87,385,370, T>G. VCF-style: chr5-87385370-T-G. GRCh37 (hg19) VCF-style: chr5-86681187-T-G.
Other names: c.2297T>G, p.Leu766Arg (NM_022650.3); c.933+9674A>C (NM_001364075.2); short protein forms L766R, L943R.
Identifiers: ClinVar variation 3661750 (VCV003661750.2).
Genomic context (GRCh38, chr5:87,385,370, plus strand): 5'-CTCCTATTGCTGCAAGAACACTGATATTAGTGGCTAAATCTGTGCAGAACTTAGCAAATC[T>G]TGTGGAATTTGGAGCTAAGGTAAAAACATTTTGATACTTTAAAATGTAATTTATGAATGC-3'
Protein context (NP_002881.1, residues 933-953): VAKSVQNLAN[Leu943Arg]VEFGAKEPYM